The following is an entry in ClinVar:

ClinVar aggregate classification (germline): Likely benign (1 of 4 stars; one submission).

Allele frequency attached by ClinVar (database versions not stated): gnomAD exomes 0.00002; gnomAD 0.00004; ExAC 0.00008.

Submission:

CeGaT Center for Human Genetics Tuebingen
Classification: Likely benign. Last evaluated: 2022-06-01. Review status: criteria provided, single submitter. Criteria: CeGaT Center For Human Genetics Tuebingen Variant Classification Criteria Version 2. Collection method: clinical testing. Allele origin: germline. Affected: yes. Observed: 1 variant allele.
Comment: ZNF594: BP4, BP7

NM_032530.2(ZNF594):c.2145A>G (p.Lys715=)

Gene: ZNF594 (zinc finger protein 594; minus strand). Cytogenetic location: 17p13.2.
Variant type: single nucleotide variant.
Coding change: c.2145A>G on transcript NM_032530.2 (MANE Select); coding-DNA position 2145, A replaced by G.
Protein change: p.Lys715=; no amino-acid change (lysine 715 retained).
Molecular consequence: synonymous variant.
Genome position (GRCh38, 1-based): chr17:5,182,112, T>C on the plus strand (A>G on the coding strand, the complement: ZNF594 is on the minus strand). VCF-style: chr17-5182112-T-C. GRCh37 (hg19) VCF-style: chr17-5085407-T-C.
Identifiers: ClinVar variation 2647293 (VCV002647293.24), dbSNP rs764272262, ClinGen allele CA8322441.